The following is an entry in ClinVar:

NM_005609.4(PYGM):c.1160G>A (p.Arg387His)

Gene: PYGM (glycogen phosphorylase, muscle associated; minus strand). Cytogenetic location: 11q13.1.
Variant type: single nucleotide variant.
Coding change: c.1160G>A on transcript NM_005609.4 (MANE Select); coding-DNA position 1160, G replaced by A.
Protein change: p.Arg387His; replaces arginine 387 with histidine.
Molecular consequence: missense variant.
Genome position (GRCh38, 1-based): chr11:64,753,958, C>T on the plus strand (G>A on the coding strand, the complement: PYGM is on the minus strand). VCF-style: chr11-64753958-C-T. GRCh37 (hg19) VCF-style: chr11-64521430-C-T.
Other names: c.896G>A, p.Arg299His (NM_001164716.1); c.1160G>A (NM_005609.2); short protein forms R387H, R299H.
Identifiers: ClinVar variation 281742 (VCV000281742.20), dbSNP rs200357590, ClinGen allele CA6079984.

ClinVar aggregate classification (germline): Conflicting classifications of pathogenicity. Review status: criteria provided, conflicting classifications (1 of 4 stars). 5 submissions from 5 submitters: Uncertain significance (4); Likely benign (1). Last evaluated 2026-02-01.

Conditions:
Glycogen storage disease, type V (GSD5). Also called: McArdle type glycogen storage disease; MCARDLE DISEASE; MUSCLE GLYCOGEN PHOSPHORYLASE DEFICIENCY; MYOPHOSPHORYLASE DEFICIENCY; PYGM DEFICIENCY. Identifiers: Orphanet 368, MedGen C0017924, MONDO:0009293, OMIM 232600.

Allele frequency attached by ClinVar (database versions not stated): TOPMed 0.00016; ExAC 0.00025; gnomAD 0.00033 and 0.00034.
gnomAD v4.1: 402 of 1,603,964 alleles (0.025%); highest among the groups gnomAD compares: Non-Finnish European, 0.018%; 1 homozygote.

Submissions (5):

Labcorp Genetics (formerly Invitae), Labcorp
Classification: Likely benign for Glycogen storage disease, type V. Last evaluated: 2026-02-01. Review status: criteria provided, single submitter. Criteria: Invitae Variant Classification Sherloc (09022015). Collection method: clinical testing. Allele origin: germline.

GeneDx
Classification: Uncertain significance. Last evaluated: 2024-11-26. Review status: criteria provided, single submitter. Criteria: GeneDx Variant Classification Process June 2021. Collection method: clinical testing. Allele origin: germline. Affected: yes.
Comment: In silico analysis supports that this missense variant has a deleterious effect on protein structure/function; Has not been previously published as pathogenic or benign to our knowledge

Revvity Omics, Revvity
Classification: Uncertain significance for Glycogen storage disease, type V. Last evaluated: 2024-08-09. Review status: criteria provided, single submitter. Criteria: ACMG Guidelines, 2015. Collection method: clinical testing. Allele origin: germline.

Department of Pathology and Laboratory Medicine, Sinai Health System
Classification: Uncertain significance for Glycogen storage disease, type V. Last evaluated: 2020-07-29. Review status: criteria provided, single submitter. Criteria: ACMG Guidelines, 2015. Collection method: research. Allele origin: germline.

Eurofins Ntd Llc (ga)
Classification: Uncertain significance. Last evaluated: 2017-05-19. Review status: criteria provided, single submitter. Criteria: EGL Classification Definitions 2015. Collection method: clinical testing. Allele origin: germline. Observed: 2 variant alleles, 2 heterozygotes.